The following is an entry in ClinVar:

NM_003193.5(TBCE):c.1183del (p.Gln395fs)

Gene: TBCE (tubulin folding cofactor E; plus strand). Cytogenetic location: 1q42.3.
Variant type: Deletion.
Coding change: c.1183del on transcript NM_003193.5 (MANE Select); coding-DNA position 1183, one base deleted (C; older notation c.1183delC).
Protein change: p.Gln395fs; shifts the reading frame from glutamine 395.
Molecular consequence: frameshift variant.
Genome position (GRCh38, 1-based): chr1:235,438,835, C deleted. VCF-style (leftmost placement, unchanged base first): chr1-235438834-AC-A. GRCh37 (hg19) VCF-style: chr1-235602149-AC-A.
Other names: c.1183del, p.Gln395fs (NM_001079515.3); c.1336del, p.Gln446fs (NM_001287801.2); c.844del, p.Gln282fs (NM_001287802.2); short protein forms Q446fs, Q282fs, Q395fs.
Identifiers: ClinVar variation 3000673 (VCV003000673.3), dbSNP rs1303235274, ClinGen allele CA529650533.
Genomic context (GRCh38, chr1:235,438,834, plus strand): 5'-CCCCGAGGAGAGGCGGAGAGCTGAGCTTGACTACCGAAAAGCTTTTGGAAATGAGTGGAA[AC>A]AGGCTGGTGGACATAAGGATCCGGAAAAAAACAGACTCAGCGAAGAATTCCTCACAGCCC-3'

ClinVar aggregate classification (germline): Pathogenic (1 of 4 stars; one submission).

Allele frequency attached by ClinVar (database versions not stated): gnomAD exomes below 0.00001.

Submission:

Labcorp Genetics (formerly Invitae), Labcorp
Classification: Pathogenic. Last evaluated: 2023-03-27. Review status: criteria provided, single submitter. Criteria: Invitae Variant Classification Sherloc (09022015). Collection method: clinical testing. Allele origin: germline.
Comment: For these reasons, this variant has been classified as Pathogenic. This variant has not been reported in the literature in individuals affected with TBCE-related conditions. This variant is present in population databases (no rsID available, gnomAD 0.0009%). This sequence change creates a premature translational stop signal (p.Gln395Argfs*29) in the TBCE gene. It is expected to result in an absent or disrupted protein product. Loss-of-function variants in TBCE are known to be pathogenic (PMID: 27666369, 34134906, 34356170).

Literature cited by the submitters: PubMed 27666369; PubMed 34134906; PubMed 34356170.